The following is an entry in ClinVar:

ClinVar aggregate classification (germline): Likely benign (0 of 4 stars; one submission).

Conditions:
MVD-related disorder. Also called: MVD-related condition.

Allele frequency attached by ClinVar (database versions not stated): ExAC 0.00001; gnomAD 0.00001.
gnomAD v4.1: 88 of 1,608,340 alleles (0.0055%); highest among the groups gnomAD compares: Non-Finnish European, 0.0074%; no homozygotes.

Submission:

PreventionGenetics, part of Exact Sciences
Classification: Likely benign for MVD-related condition. Last evaluated: 2023-08-23. Review status: no assertion criteria provided. Collection method: clinical testing. Allele origin: germline.
Comment: This variant is classified as likely benign based on ACMG/AMP sequence variant interpretation guidelines (Richards et al. 2015 PMID: 25741868, with internal and published modifications).

NM_002461.3(MVD):c.-8G>A

Genes: MVD (mevalonate diphosphate decarboxylase; minus strand), LOC130059740 (ATAC-STARR-seq lymphoblastoid silent region 7865; plus strand). Cytogenetic location: 16q24.2.
Variant type: single nucleotide variant.
Coding change: c.-8G>A on transcript NM_002461.3 (MANE Select); 8 bases upstream of the start codon, G replaced by A.
Molecular consequence: 5 prime UTR variant.
Genome position (GRCh38, 1-based): chr16:88,663,088, C>T on the plus strand (G>A on the coding strand, the complement: MVD is on the minus strand). VCF-style: chr16-88663088-C-T. GRCh37 (hg19) VCF-style: chr16-88729496-C-T.
Identifiers: ClinVar variation 3030283 (VCV003030283.2), dbSNP rs770646062, ClinGen allele CA8229197.
Genomic context (GRCh38, chr16:88,663,088, plus strand): 5'-ATGTTGACCGGCGCTGTACAAGTGACTGCCGCCAGCGGCTTCTCCGAGGCCATGGTCCCA[C>T]CGCGCAGTGACCCCAGCTCCACAGCCACTTACGGCCCGCGATCCCACCCCAGAGGCCTCT-3'